The following is an entry in ClinVar:

NM_016529.6(ATP8A2):c.559G>C (p.Asp187His)

Gene: ATP8A2 (ATPase phospholipid transporting 8A2). Cytogenetic location: 13q12.13.
Variant type: single nucleotide variant.
Coding change: c.559G>C on transcript NM_016529.6 (MANE Select); coding-DNA position 559, G replaced by C.
Protein change: p.Asp187His; replaces aspartic acid 187 with histidine.
Molecular consequence: missense variant.
Genome position (GRCh38, 1-based): chr13:25,538,039, G>C. VCF-style: chr13-25538039-G-C. GRCh37 (hg19) VCF-style: chr13-26112177-G-C.
Other names: c.439G>C, p.Asp147His (NM_001313741.1); c.559G>C, p.Asp187His (NM_001411005.1, NM_001411006.1); short protein forms D147H, D187H.
Identifiers: ClinVar variation 4854065 (VCV004854065.1).

ClinVar aggregate classification (germline): Uncertain significance (1 of 4 stars; one submission).

Conditions:
Cerebellar ataxia, impaired intellectual development, and dysequilibrium syndrome 4. Also called: CEREBELLAR ATAXIA AND MENTAL RETARDATION WITH OR WITHOUT QUADRUPEDAL LOCOMOTION 4; Cerebellar ataxia, mental retardation, and dysequilibrium syndrome 4; Cerebellar ataxia, intellectual disability, and dysequilibrium syndrome 4. Identifiers: Orphanet 1766, MedGen C3808977, MONDO:0014104, OMIM 615268.

Submission:

3billion
Classification: Uncertain significance for Cerebellar ataxia, impaired intellectual development, and dysequilibrium syndrome 4. Last evaluated: 2025-11-17. Review status: criteria provided, single submitter. Criteria: ACMG Guidelines, 2015. Collection method: clinical testing. Allele origin: germline. Affected: yes.
Comment: The variant is not observed in the gnomAD v4.1.0 dataset. Predicted Consequence/Location: Missense variant. The majority of the known disease-causing variants of this gene are variants expected to result in premature termination of the protein. In silico tool predictions suggest damaging effect of the variant on gene or gene product [REVEL: 0.97 (>=0.6, sensitivity 0.68 and specificity 0.92); 3Cnet: 0.88 (> 0.75, sensitivity 0.96 and precision 0.92)]. Different missense changes at the same codon have been reported as of uncertain significance (ClinVar ID: VCV001716411). Therefore, this variant is classified as VUS according to the recommendation of ACMG/AMP guideline.